The following is an entry in ClinVar:

NM_015443.4(KANSL1):c.2161A>G (p.Lys721Glu)

Gene: KANSL1 (KAT8 regulatory NSL complex subunit 1). Cytogenetic location: 17q21.31.
Variant type: single nucleotide variant.
Coding change: c.2161A>G on transcript NM_015443.4 (MANE Select); coding-DNA position 2161, A replaced by G.
Protein change: p.Lys721Glu; replaces lysine 721 with glutamic acid.
Molecular consequence: missense variant.
Genome position (GRCh38, 1-based): chr17:46,039,744, T>C on the plus strand (A>G on the coding strand, the complement: KANSL1 is on the minus strand). VCF-style: chr17-46039744-T-C. GRCh37 (hg19) VCF-style: chr17-44117110-T-C.
Other names: c.2161A>G, p.Lys721Glu (NM_001193465.2, NM_001193466.2, NM_001379198.1); short protein forms K721E.
Identifiers: ClinVar variation 1470975 (VCV001470975.8), dbSNP rs2146368894, ClinGen allele CA399982105.
Genomic context (GRCh38, chr17:46,039,744, plus strand): 5'-CGGCTCCCTGACACTTACTGGCTGTTGTTAGGAAGGAGCTGACCAATTTGTGCCTGTCCT[T>C]ACGAGCTGAATCTGGCAGACTGCCCGGCATGGGTGCTCTGTGCTTAAGCGATAACTTTTT-3'
Protein context (NP_056258.1, residues 711-731): MPGSLPDSAR[Lys721Glu]DRHKLVSSFL

ClinVar aggregate classification (germline): Uncertain significance (1 of 4 stars; one submission).

Conditions:
Koolen-de Vries syndrome (KDVS). Identifiers: Orphanet 96169, MedGen C1864871, MONDO:0012496, OMIM 610443.

Allele frequency attached by ClinVar (database versions not stated): gnomAD exomes below 0.00001.
gnomAD v4.1: 3 of 1,614,188 alleles (0.00019%); highest among the groups gnomAD compares: Non-Finnish European, 0.00025%; no homozygotes.

Submission:

Labcorp Genetics (formerly Invitae), Labcorp
Classification: Uncertain significance for Koolen-de Vries syndrome. Last evaluated: 2024-04-01. Review status: criteria provided, single submitter. Criteria: Invitae Variant Classification Sherloc (09022015). Collection method: clinical testing. Allele origin: germline.
Comment: This sequence change replaces lysine, which is basic and polar, with glutamic acid, which is acidic and polar, at codon 721 of the KANSL1 protein (p.Lys721Glu). This variant is not present in population databases (gnomAD no frequency). This variant has not been reported in the literature in individuals affected with KANSL1-related conditions. ClinVar contains an entry for this variant (Variation ID: 1470975). Advanced modeling of protein sequence and biophysical properties (such as structural, functional, and spatial information, amino acid conservation, physicochemical variation, residue mobility, and thermodynamic stability) has been performed at Invitae for this missense variant, however the output from this modeling did not meet the statistical confidence thresholds required to predict the impact of this variant on KANSL1 protein function. In summary, the available evidence is currently insufficient to determine the role of this variant in disease. Therefore, it has been classified as a Variant of Uncertain Significance.